The following is an entry in ClinVar:

ClinVar aggregate classification (germline): Uncertain significance (1 of 4 stars; one submission).

Allele frequency attached by ClinVar (database versions not stated): gnomAD exomes below 0.00001; ExAC 0.00001.

Submission:

Labcorp Genetics (formerly Invitae), Labcorp
Classification: Uncertain significance. Last evaluated: 2022-06-20. Review status: criteria provided, single submitter. Criteria: Invitae Variant Classification Sherloc (09022015). Collection method: clinical testing. Allele origin: germline.
Comment: In summary, the available evidence is currently insufficient to determine the role of this variant in disease. Therefore, it has been classified as a Variant of Uncertain Significance. Algorithms developed to predict the effect of missense changes on protein structure and function (SIFT, PolyPhen-2, Align-GVGD) all suggest that this variant is likely to be disruptive. This variant has not been reported in the literature in individuals affected with NDUFS1-related conditions. This variant is present in population databases (rs759823916, gnomAD 0.004%). This sequence change replaces alanine, which is neutral and non-polar, with threonine, which is neutral and polar, at codon 52 of the NDUFS1 protein (p.Ala52Thr).

NM_005006.7(NDUFS1):c.154G>A (p.Ala52Thr)

Gene: NDUFS1 (NADH:ubiquinone oxidoreductase core subunit S1; minus strand). Cytogenetic location: 2q33.3.
Variant type: single nucleotide variant.
Coding change: c.154G>A on transcript NM_005006.7 (MANE Select); coding-DNA position 154, G replaced by A.
Protein change: p.Ala52Thr; replaces alanine 52 with threonine.
Molecular consequence: missense variant. On other transcripts: 5 prime UTR variant (1), intron variant (2).
Genome position (GRCh38, 1-based): chr2:206,149,925, C>T on the plus strand (G>A on the coding strand, the complement: NDUFS1 is on the minus strand). VCF-style: chr2-206149925-C-T. GRCh37 (hg19) VCF-style: chr2-207014649-C-T.
Other names: c.-18G>A (NM_001199983.2); c.196G>A, p.Ala66Thr (NM_001199984.2); c.6-2091G>A (NM_001199982.2); c.154-829G>A (NM_001199981.2); short protein forms A52T, A66T.
Identifiers: ClinVar variation 1469212 (VCV001469212.6), dbSNP rs759823916, ClinGen allele CA2070859.